The following is an entry in ClinVar:

ClinVar aggregate classification (germline): Uncertain significance (1 of 4 stars; one submission).

Submission:

Labcorp Genetics (formerly Invitae), Labcorp
Classification: Uncertain significance. Last evaluated: 2023-10-05. Review status: criteria provided, single submitter. Criteria: Invitae Variant Classification Sherloc (09022015). Collection method: clinical testing. Allele origin: germline.
Comment: This sequence change replaces proline, which is neutral and non-polar, with serine, which is neutral and polar, at codon 499 of the TET2 protein (p.Pro499Ser). This variant is not present in population databases (gnomAD no frequency). This variant has not been reported in the literature in individuals affected with TET2-related conditions. Algorithms developed to predict the effect of missense changes on protein structure and function output the following: SIFT: "Not Available"; PolyPhen-2: "Benign"; Align-GVGD: "Not Available". The serine amino acid residue is found in multiple mammalian species, which suggests that this missense change does not adversely affect protein function. In summary, the available evidence is currently insufficient to determine the role of this variant in disease. Therefore, it has been classified as a Variant of Uncertain Significance.

NM_001127208.3(TET2):c.1495C>T (p.Pro499Ser)

Genes: TET2 (tet methylcytosine dioxygenase 2; plus strand), TET2-AS1 (TET2 antisense RNA 1; minus strand). Cytogenetic location: 4q24.
Variant type: single nucleotide variant.
Coding change: c.1495C>T on transcript NM_001127208.3 (MANE Select); coding-DNA position 1495, C replaced by T.
Protein change: p.Pro499Ser; replaces proline 499 with serine.
Molecular consequence: missense variant.
Genome position (GRCh38, 1-based): chr4:105,235,437, C>T. VCF-style: chr4-105235437-C-T. GRCh37 (hg19) VCF-style: chr4-106156594-C-T.
Other names: c.1495C>T, p.Pro499Ser (NM_017628.4); short protein forms P499S.
Identifiers: ClinVar variation 2763976 (VCV002763976.3), dbSNP rs2476490340, ClinGen allele CA357794903.